The following is an entry in ClinVar:

ClinVar aggregate classification (germline): Uncertain significance. Review status: criteria provided, multiple submitters, no conflicts (2 of 4 stars). 2 submissions from 2 submitters: Uncertain significance (2). Last evaluated 2022-10-02.

Conditions:
Dyskeratosis congenita. Identifiers: Orphanet 1775, MedGen C0265965, MONDO:0015780.
Idiopathic Pulmonary Fibrosis. Also called: Idiopathic fibrosing alveolitis, chronic form; idiopathic fibrosing alveolitis. Identifiers: Orphanet 2032, MedGen C1800706, MeSH D054990, MONDO:0800504.
Dyskeratosis congenita, autosomal dominant 2. Identifiers: MedGen C3151443, MONDO:0013521, OMIM 613989.

Allele frequency attached by ClinVar (database versions not stated): gnomAD exomes below 0.00001.
gnomAD v4.1: 1 of 1,575,474 alleles (0.000063%); highest among the groups gnomAD compares: Non-Finnish European, 0.000086%; no homozygotes.

Submissions (2):

Ambry Genetics
Classification: Uncertain significance for Dyskeratosis congenita. Last evaluated: 2022-10-02. Review status: criteria provided, single submitter. Criteria: Ambry Variant Classification Scheme 2023. Collection method: clinical testing. Allele origin: germline.
Comment: The p.P173S variant (also known as c.517C>T), located in coding exon 2 of the TERT gene, results from a C to T substitution at nucleotide position 517. The proline at codon 173 is replaced by serine, an amino acid with similar properties. This amino acid position is conserved. In addition, the in silico prediction for this alteration is inconclusive. Since supporting evidence is limited at this time, the clinical significance of this alteration remains unclear.

Labcorp Genetics (formerly Invitae), Labcorp
Classification: Uncertain significance for Dyskeratosis congenita, autosomal dominant 2; Idiopathic Pulmonary Fibrosis. Last evaluated: 2022-09-02. Review status: criteria provided, single submitter. Criteria: Invitae Variant Classification Sherloc (09022015). Collection method: clinical testing. Allele origin: germline.
Comment: This sequence change replaces proline, which is neutral and non-polar, with serine, which is neutral and polar, at codon 173 of the TERT protein (p.Pro173Ser). The frequency data for this variant in the population databases is considered unreliable, as metrics indicate poor data quality at this position in the gnomAD database. This variant has not been reported in the literature in individuals affected with TERT-related conditions. Advanced modeling of protein sequence and biophysical properties (such as structural, functional, and spatial information, amino acid conservation, physicochemical variation, residue mobility, and thermodynamic stability) performed at Invitae indicates that this missense variant is not expected to disrupt TERT protein function. In summary, the available evidence is currently insufficient to determine the role of this variant in disease. Therefore, it has been classified as a Variant of Uncertain Significance.

NM_198253.3(TERT):c.517C>T (p.Pro173Ser)

Gene: TERT (telomerase reverse transcriptase; minus strand). Cytogenetic location: 5p15.33.
Variant type: single nucleotide variant.
Coding change: c.517C>T on transcript NM_198253.3 (MANE Select); coding-DNA position 517, C replaced by T.
Protein change: p.Pro173Ser; replaces proline 173 with serine.
Molecular consequence: missense variant. On other transcripts: non-coding transcript variant (2).
Genome position (GRCh38, 1-based): chr5:1,294,369, G>A on the plus strand (C>T on the coding strand, the complement: TERT is on the minus strand). VCF-style: chr5-1294369-G-A. GRCh37 (hg19) VCF-style: chr5-1294484-G-A.
Other names: c.517C>T, p.Pro173Ser (NM_001193376.3, NM_003219.1); short protein forms P173S.
Identifiers: ClinVar variation 1745845 (VCV001745845.4), dbSNP rs1484500885, ClinGen allele CA359057807.
Genomic context (GRCh38, chr5:1,294,369, plus strand): 5'-GTCCACTAGCGTGTGGCGGGGGCCGGGCCTGAGTGGCAGCGCCGAGCTGGTACAGCGGCG[G>A]CCCGCACACCTGGTAGGCGCAGCTGGGAGCCACCAGCACAAAGAGCGCGCAGCGTGCCAG-3'
Protein context (NP_937983.2, residues 163-183): APSCAYQVCG[Pro173Ser]PLYQLGAATQ